The following is an entry in ClinVar:

NM_000036.3(AMPD1):c.1058A>C (p.Tyr353Ser)

Gene: AMPD1 (adenosine monophosphate deaminase 1; minus strand). Cytogenetic location: 1p13.2.
Variant type: single nucleotide variant.
Coding change: c.1058A>C on transcript NM_000036.3 (MANE Select); coding-DNA position 1058, A replaced by C.
Protein change: p.Tyr353Ser; replaces tyrosine 353 with serine.
Molecular consequence: missense variant.
Genome position (GRCh38, 1-based): chr1:114,678,367, T>G on the plus strand (A>C on the coding strand, the complement: AMPD1 is on the minus strand). VCF-style: chr1-114678367-T-G. GRCh37 (hg19) VCF-style: chr1-115220988-T-G.
Other names: c.1046A>C, p.Tyr349Ser (NM_001172626.2); short protein forms Y386S, Y349S, Y353S.
Identifiers: ClinVar variation 641932 (VCV000641932.8), dbSNP rs1398708257, ClinGen allele CA341749360.

ClinVar aggregate classification (germline): Uncertain significance (1 of 4 stars; one submission).

Conditions:
Muscle AMP deaminase deficiency (MMDD). Also called: AMPD1 DEFICIENCY; ADENOSINE MONOPHOSPHATE DEAMINASE-1 DEFICIENCY, MYOPATHY DUE TO; Myoadenylate deaminase deficiency, myopathy due to; Adenosine monophosphate deaminase 1 deficiency; AMP deaminase 1 deficiency; Adenosine Monophosphate Deaminase 1. Identifiers: Orphanet 45, MedGen C3714933, MONDO:0014220, OMIM 615511.

Allele frequency attached by ClinVar (database versions not stated): TOPMed below 0.00001; gnomAD 0.00001.
gnomAD v4.1: 1 of 1,614,094 alleles (0.000062%); highest among the groups gnomAD compares: Non-Finnish European, 0.000085%; no homozygotes.

Submission:

Labcorp Genetics (formerly Invitae), Labcorp
Classification: Uncertain significance for Muscle AMP deaminase deficiency. Last evaluated: 2024-06-10. Review status: criteria provided, single submitter. Criteria: Invitae Variant Classification Sherloc (09022015). Collection method: clinical testing. Allele origin: germline.
Comment: This sequence change replaces tyrosine, which is neutral and polar, with serine, which is neutral and polar, at codon 386 of the AMPD1 protein (p.Tyr386Ser). This variant is not present in population databases (gnomAD no frequency). This variant has not been reported in the literature in individuals affected with AMPD1-related conditions. ClinVar contains an entry for this variant (Variation ID: 641932). An algorithm developed to predict the effect of missense changes on protein structure and function (PolyPhen-2) suggests that this variant is likely to be disruptive. In summary, the available evidence is currently insufficient to determine the role of this variant in disease. Therefore, it has been classified as a Variant of Uncertain Significance.